The following is an entry in ClinVar:

ClinVar aggregate classification (germline): Uncertain significance (1 of 4 stars; one submission).

gnomAD v4.1: 24 of 1,602,616 alleles (0.0015%); highest among the groups gnomAD compares: East Asian, 0.0045%; no homozygotes.

Submission:

GeneDx
Classification: Uncertain significance. Last evaluated: 2024-02-05. Review status: criteria provided, single submitter. Criteria: GeneDx Variant Classification Process June 2021. Collection method: clinical testing. Allele origin: germline. Affected: yes.
Comment: In silico analysis supports that this missense variant has a deleterious effect on protein structure/function; Has not been previously published as pathogenic or benign to our knowledge

NM_020158.4(EXOSC5):c.650C>T (p.Ser217Leu)

Gene: EXOSC5 (exosome component 5; minus strand). Cytogenetic location: 19q13.2.
Variant type: single nucleotide variant.
Coding change: c.650C>T on transcript NM_020158.4 (MANE Select); coding-DNA position 650, C replaced by T.
Protein change: p.Ser217Leu; replaces serine 217 with leucine.
Molecular consequence: missense variant.
Genome position (GRCh38, 1-based): chr19:41,386,691, G>A on the plus strand (C>T on the coding strand, the complement: EXOSC5 is on the minus strand). VCF-style: chr19-41386691-G-A. GRCh37 (hg19) VCF-style: chr19-41892596-G-A.
Other names: short protein forms S217L.
Identifiers: ClinVar variation 3368523 (VCV003368523.1).